The following is an entry in ClinVar:

ClinVar aggregate classification (germline): Uncertain significance (1 of 4 stars; one submission).

Allele frequency attached by ClinVar (database versions not stated): gnomAD exomes 0.00001.
gnomAD v4.1: 3 of 1,536,770 alleles (0.0002%); highest among the groups gnomAD compares: South Asian, 0.0012%; no homozygotes.

Submission:

Labcorp Genetics (formerly Invitae), Labcorp
Classification: Uncertain significance. Last evaluated: 2023-10-06. Review status: criteria provided, single submitter. Criteria: Invitae Variant Classification Sherloc (09022015). Collection method: clinical testing. Allele origin: germline.
Comment: This sequence change affects a donor splice site in intron 2 of the COL9A3 gene. It is expected to disrupt RNA splicing. Variants that disrupt the donor or acceptor splice site typically lead to a loss of protein function (PMID: 16199547), however the current clinical and genetic evidence is not sufficient to establish whether loss-of-function variants in COL9A3 cause disease. This variant is not present in population databases (gnomAD no frequency). This variant has not been reported in the literature in individuals affected with COL9A3-related conditions. ClinVar contains an entry for this variant (Variation ID: 1518206). Algorithms developed to predict the effect of sequence changes on RNA splicing suggest that this variant may disrupt the consensus splice site. In summary, the available evidence is currently insufficient to determine the role of this variant in disease. Therefore, it has been classified as a Variant of Uncertain Significance.

Literature cited by the submitters: PubMed 16199547.

NM_001853.4(COL9A3):c.147+1G>A

Gene: COL9A3 (collagen type IX alpha 3 chain; plus strand). Cytogenetic location: 20q13.33.
Variant type: single nucleotide variant.
Coding change: c.147+1G>A on transcript NM_001853.4 (MANE Select); the canonical splice donor site of the intron after coding-DNA position 147, G replaced by A.
Molecular consequence: splice donor variant.
Genome position (GRCh38, 1-based): chr20:62,817,636, G>A. VCF-style: chr20-62817636-G-A. GRCh37 (hg19) VCF-style: chr20-61448988-G-A.
Identifiers: ClinVar variation 1518206 (VCV001518206.8), dbSNP rs2147194049, ClinGen allele CA409587252.